The following is an entry in ClinVar:

NM_001267550.2(TTN):c.61465A>T (p.Arg20489Ter)

Genes: TTN (titin; minus strand), TTN-AS1 (TTN antisense RNA 1; plus strand). Cytogenetic location: 2q31.2.
Variant type: single nucleotide variant.
Coding change: c.61465A>T on transcript NM_001267550.2 (MANE Select); coding-DNA position 61465, A replaced by T.
Protein change: p.Arg20489Ter; replaces arginine 20489 with a stop codon.
Molecular consequence: nonsense.
Genome position (GRCh38, 1-based): chr2:178,590,260, T>A on the plus strand (A>T on the coding strand, the complement: TTN is on the minus strand). VCF-style: chr2-178590260-T-A. GRCh37 (hg19) VCF-style: chr2-179454987-T-A.
Other names: c.56542A>T, p.Arg18848Ter (NM_001256850.1); c.34270A>T, p.Arg11424Ter (NM_003319.4); c.53761A>T, p.Arg17921Ter (NM_133378.4); c.34645A>T, p.Arg11549Ter (NM_133432.3); c.34846A>T, p.Arg11616Ter (NM_133437.4); short protein forms R11424*, R11549*, R11616*, R17921*, R18848*, R20489*.
Identifiers: ClinVar variation 5038429 (VCV005038429.1).

ClinVar aggregate classification (germline): Likely pathogenic (1 of 4 stars; one submission).

Conditions:
Dilated and arrhythmogenic cardiomyopathy.

gnomAD v4.1: 4 of 1,580,260 alleles (0.00025%); highest among the groups gnomAD compares: Non-Finnish European, 0.00034%; no homozygotes.

Submission:

North West Genomic Laboratory Hub, Manchester University NHS Foundation Trust
Classification: Likely pathogenic for Dilated and arrhythmogenic cardiomyopathy. Last evaluated: 2026-08-11. Review status: criteria provided, single submitter. Criteria: ACGS Best Practice Guidelines for Variant Classification in Rare Disease 2024. Collection method: clinical testing. Allele origin: germline. Affected: yes.
Comment: PVS1_Str PM2_Mod